The following is an entry in ClinVar:

ClinVar aggregate classification (germline): Likely benign. Review status: criteria provided, multiple submitters, no conflicts (2 of 4 stars). 4 submissions from 4 submitters: Likely benign (4). Last evaluated 2026-09-01.

Conditions:
EXOSC2-related disorder. Also called: EXOSC2-related condition.

Allele frequency attached by ClinVar (database versions not stated): ESP Exome Variant Server 0.00023; ExAC 0.00025; gnomAD 0.00034 and 0.00035; TOPMed 0.00037; gnomAD exomes 0.00038 and 0.00059.
gnomAD v4.1: 894 of 1,610,680 alleles (0.056%); highest among the groups gnomAD compares: Non-Finnish European, 0.064%; no homozygotes.

Submissions (4):

CeGaT Center for Human Genetics Tuebingen
Classification: Likely benign. Last evaluated: 2026-09-01. Review status: criteria provided, single submitter. Criteria: CeGaT Center For Human Genetics Tuebingen Variant Classification Criteria Version 2. Collection method: clinical testing. Allele origin: germline. Affected: yes. Observed: 3 variant alleles.
Comment: EXOSC2: BP4, BP7

Labcorp Genetics (formerly Invitae), Labcorp
Classification: Likely benign. Last evaluated: 2026-02-01. Review status: criteria provided, single submitter. Criteria: Invitae Variant Classification Sherloc (09022015). Collection method: clinical testing. Allele origin: germline.

PreventionGenetics, part of Exact Sciences
Classification: Likely benign for EXOSC2-related condition. Last evaluated: 2024-12-17. Review status: criteria provided, single submitter. Criteria: ACMG Guidelines, 2015. Collection method: clinical testing. Allele origin: germline.
Comment: This variant is classified as likely benign based on ACMG/AMP sequence variant interpretation guidelines (Richards et al. 2015 PMID: 25741868, with internal and published modifications).

Blueprint Genetics
Classification: Likely benign. Last evaluated: 2024-11-13. Review status: criteria provided, single submitter. Criteria: ACMG Guidelines, 2015. Collection method: clinical testing. Allele origin: germline.

NM_014285.7(EXOSC2):c.36G>A (p.Lys12=)

Gene: EXOSC2 (exosome component 2; plus strand). Cytogenetic location: 9q34.12.
Variant type: single nucleotide variant.
Coding change: c.36G>A on transcript NM_014285.7 (MANE Select); coding-DNA position 36, G replaced by A.
Protein change: p.Lys12=; no amino-acid change (lysine 12 retained).
Molecular consequence: synonymous variant. On other transcripts: non-coding transcript variant (1).
Genome position (GRCh38, 1-based): chr9:130,693,827, G>A. VCF-style: chr9-130693827-G-A. GRCh37 (hg19) VCF-style: chr9-133569214-G-A.
Other names: c.36G>A, p.Lys12= (NM_001282708.1, NM_001282709.1); c.36G>A (NM_014285.6).
Identifiers: ClinVar variation 1124358 (VCV001124358.34), dbSNP rs146844600, ClinGen allele CA5284717.